The following is an entry in ClinVar:

NM_002582.4(PARN):c.19+4C>T

Gene: PARN (poly(A)-specific ribonuclease; minus strand). Cytogenetic location: 16p13.12.
Variant type: single nucleotide variant.
Coding change: c.19+4C>T on transcript NM_002582.4 (MANE Select); 4 bases into the intron after coding-DNA position 19, C replaced by T.
Molecular consequence: intron variant.
Genome position (GRCh38, 1-based): chr16:14,630,103, G>A on the plus strand (C>T on the coding strand, the complement: PARN is on the minus strand). VCF-style: chr16-14630103-G-A. GRCh37 (hg19) VCF-style: chr16-14723960-G-A.
Other names: c.-165+87C>T (NM_001134477.3); c.19+4C>T (NM_001242992.2).
Identifiers: ClinVar variation 862329 (VCV000862329.12), dbSNP rs748893191, ClinGen allele CA7912588.
Genomic context (GRCh38, chr16:14,630,103, plus strand): 5'-TCGGCCTAGCAGGCCAGGGGCAGCCGGGTGTGGGGAGGCGGGGAGGTGTACGGCGGACAC[G>A]CACTGCTCCTGATTATCTCCATTCTGCAGAGTGGCCGGAACCTTGGCCCCACCCGGGCCC-3'

ClinVar aggregate classification (germline): Uncertain significance. Review status: criteria provided, multiple submitters, no conflicts (2 of 4 stars). 4 submissions from 4 submitters: Uncertain significance (3). 1 of the submissions does not count toward it. Last evaluated 2026-01-08.

Conditions:
PARN-related disorder. Also called: PARN-related condition; PARN-related disorders.
Dyskeratosis congenita, autosomal recessive 6 (DKCB6). Identifiers: MedGen C4225356, MONDO:0014600, OMIM 616353.
Pulmonary fibrosis and/or bone marrow failure, Telomere-related, 4. Also called: PULMONARY FIBROSIS AND/OR BONE MARROW FAILURE SYNDROME, TELOMERE-RELATED, 4. Identifiers: Orphanet 2032, MedGen C4225347, MONDO:0014612, OMIM 616371.

Allele frequency attached by ClinVar (database versions not stated): ExAC below 0.00001; TOPMed 0.00003; gnomAD exomes 0.00004 and 0.00005.
gnomAD v4.1: 55 of 1,559,662 alleles (0.0035%); highest among the groups gnomAD compares: Non-Finnish European, 0.0044%; no homozygotes.

Submissions (4):

Labcorp Genetics (formerly Invitae), Labcorp
Classification: Uncertain significance for Dyskeratosis congenita, autosomal recessive 6; Pulmonary fibrosis and/or bone marrow failure, Telomere-related, 4. Last evaluated: 2026-01-08. Review status: criteria provided, single submitter. Criteria: Invitae Variant Classification Sherloc (09022015). Collection method: clinical testing. Allele origin: germline.
Comment: This sequence change falls in intron 1 of the PARN gene. It does not directly change the encoded amino acid sequence of the PARN protein. It affects a nucleotide within the consensus splice site. The frequency data for this variant in the population databases is considered unreliable, as metrics indicate poor data quality at this position in the gnomAD database. This variant has not been reported in the literature in individuals affected with PARN-related conditions. ClinVar contains an entry for this variant (Variation ID: 862329). Variants that disrupt the consensus splice site are a relatively common cause of aberrant splicing (PMID: 17576681, 9536098). Algorithms developed to predict the effect of sequence changes on RNA splicing suggest that this variant may disrupt the consensus splice site. In summary, the available evidence is currently insufficient to determine the role of this variant in disease. Therefore, it has been classified as a Variant of Uncertain Significance.

Victorian Clinical Genetics Services, Murdoch Childrens Research Institute
Classification: Uncertain significance for Pulmonary fibrosis and/or bone marrow failure, Telomere-related, 4. Last evaluated: 2025-07-28. Review status: criteria provided, single submitter. Criteria: ACMG Guidelines, 2015. Collection method: clinical testing. Allele origin: germline. Affected: yes.
Comment: This variant is classified as VUS-3A. Evidence in support of pathogenic classification: Splice site variant proven to affect splicing of the transcript with a known effect on protein sequence. RNA-seq analysis performed on this individual's sample detected transcripts utilising both canonical and a cryptic splice site. The cryptic splice site results in intron retention of 2bp and a subsequent protein product of p.(Asn7Serfs*14). However, the ratio of canonical to cryptic splicing attributed by this allele is uncertain (PeterMac communications); Variant is present in gnomAD <0.01 (v4: 55 heterozygote(s), 0 homozygote(s)); Strong phenotype match for this individual. Additional information: This variant is heterozygous; This gene is associated with both recessive and dominant disease; Previous evidence of pathogenicity for this variant is inconclusive. It has been classified as a VUS by diagnostic laboratories in ClinVar. In addition, two homozygotes from the Icelandic population were identified. However, it is uncertain if they are affected or case controls (PMIDs: 25807286, 37301908); No published segregation evidence has been identified for this variant; No published functional evidence has been identified for this variant; No comparable splice site variants have previous evidence for pathogenicity; Loss of function is a known mechanism of disease in this gene and is associated with dyskeratosis congenita, autosomal recessive 6 (MIM#616353) and pulmonary fibrosis and/or bone marrow failure, telomere-related, 4 (MIM#616371); The condition associated with this gene has incomplete penetrance (PMID: 25848748); Variants in this gene are known to have variable expressivity. Intra-familial variability has been reported (PMID: 20301779); Inheritance information for this variant is not currently available in this individual.

Center for Genomics, Ann and Robert H. Lurie Children's Hospital of Chicago
Classification: Uncertain significance for Dyskeratosis congenita, autosomal recessive 6; Pulmonary fibrosis and/or bone marrow failure, Telomere-related, 4. Review status: criteria provided, single submitter. Criteria: ACMG Guidelines, 2015. Collection method: clinical testing. Allele origin: germline.
Comment: This variant has not been reported in the literature but is present in the Genome Aggregation Database (Highest reported MAF 0.007% (5/68050). This variant is present in ClinVar (Variation ID:862329). Evolutionary conservation and computational predictive tools for this variant are limited or unavailable. This variant is an intronic variant with no predicted change in the amino acid sequence but may have an unknown effect on splicing.

PreventionGenetics, part of Exact Sciences
Classification: Uncertain significance for PARN-related condition. Last evaluated: 2024-08-13. Review status: no assertion criteria provided. Collection method: clinical testing. Allele origin: germline. Not counted in ClinVar's aggregate classification.
Comment: The PARN c.19+4C>T variant is predicted to interfere with splicing. This variant is predicted to alter splicing based on available splicing prediction programs (SpliceAI, Jaganathan et al. 2019. PubMed ID: 30661751). However, such computer prediction programs are imperfect. To our knowledge, this variant has not been reported in the literature. This variant is reported in 0.0090% of alleles in individuals of European (Non-Finnish) descent in gnomAD, which may be too common to be causative of autosomal dominant disease. At this time, the clinical significance of this variant is uncertain due to the absence of conclusive functional and genetic evidence.

Literature cited by the submitters: PubMed 17576681 (cited by Labcorp Genetics (formerly Invitae), Labcorp); PubMed 9536098 (cited by Labcorp Genetics (formerly Invitae), Labcorp); PubMed 20301779 (cited by Victorian Clinical Genetics Services, Murdoch Childrens Research Institute); PubMed 25807286 (cited by Victorian Clinical Genetics Services, Murdoch Childrens Research Institute); PubMed 37301908 (cited by Victorian Clinical Genetics Services, Murdoch Childrens Research Institute); PubMed 25848748 (cited by Victorian Clinical Genetics Services, Murdoch Childrens Research Institute).